The following is an entry in ClinVar:

NM_030928.4(CDT1):c.1030G>A (p.Glu344Lys)

Gene: CDT1 (chromatin licensing and DNA replication factor 1; plus strand). Cytogenetic location: 16q24.3.
Variant type: single nucleotide variant.
Coding change: c.1030G>A on transcript NM_030928.4 (MANE Select); coding-DNA position 1030, G replaced by A.
Protein change: p.Glu344Lys; replaces glutamic acid 344 with lysine.
Molecular consequence: missense variant.
Genome position (GRCh38, 1-based): chr16:88,806,582, G>A. VCF-style: chr16-88806582-G-A. GRCh37 (hg19) VCF-style: chr16-88872990-G-A.
Other names: short protein forms E344K.
Identifiers: ClinVar variation 128659 (VCV000128659.7), dbSNP rs587780303, ClinGen allele CA230986.

ClinVar aggregate classification (germline): Uncertain significance. Review status: criteria provided, multiple submitters, no conflicts (2 of 4 stars). 2 submissions from 2 submitters: Uncertain significance (2). Last evaluated 2024-01-24.

Allele frequency attached by ClinVar (database versions not stated): TOPMed 0.00002.

Submissions (2):

Labcorp Genetics (formerly Invitae), Labcorp
Classification: Uncertain significance. Last evaluated: 2024-01-24. Review status: criteria provided, single submitter. Criteria: Invitae Variant Classification Sherloc (09022015). Collection method: clinical testing. Allele origin: germline.
Comment: This sequence change replaces glutamic acid, which is acidic and polar, with lysine, which is basic and polar, at codon 344 of the CDT1 protein (p.Glu344Lys). This variant is present in population databases (rs587780303, gnomAD 0.003%). This missense change has been observed in individual(s) with growth abnormality (PMID: 26633542). ClinVar contains an entry for this variant (Variation ID: 128659). An algorithm developed to predict the effect of missense changes on protein structure and function (PolyPhen-2) suggests that this variant is likely to be disruptive. In summary, the available evidence is currently insufficient to determine the role of this variant in disease. Therefore, it has been classified as a Variant of Uncertain Significance.

Genetic Services Laboratory, University of Chicago
Classification: Uncertain significance. Last evaluated: 2013-01-17. Review status: criteria provided, single submitter. Criteria: ACMG Guidelines, 2007. Collection method: clinical testing. Allele origin: germline. Inheritance: Autosomal recessive inheritance.

Literature cited by the submitters: PubMed 26633542 (cited by Labcorp Genetics (formerly Invitae), Labcorp).